The following is an entry in ClinVar:

ClinVar aggregate classification (germline): Uncertain significance (1 of 4 stars; one submission).

gnomAD v4.1: 2 of 1,612,072 alleles (0.00012%); highest among the groups gnomAD compares: Non-Finnish European, 0.00017%; no homozygotes.

Submission:

Labcorp Genetics (formerly Invitae), Labcorp
Classification: Uncertain significance. Last evaluated: 2023-03-01. Review status: criteria provided, single submitter. Criteria: Invitae Variant Classification Sherloc (09022015). Collection method: clinical testing. Allele origin: germline.
Comment: This sequence change replaces alanine, which is neutral and non-polar, with serine, which is neutral and polar, at codon 959 of the ABL1 protein (p.Ala959Ser). This variant is not present in population databases (gnomAD no frequency). This variant has not been reported in the literature in individuals affected with ABL1-related conditions. Advanced modeling of protein sequence and biophysical properties (such as structural, functional, and spatial information, amino acid conservation, physicochemical variation, residue mobility, and thermodynamic stability) performed at Invitae indicates that this missense variant is not expected to disrupt ABL1 protein function. In summary, the available evidence is currently insufficient to determine the role of this variant in disease. Therefore, it has been classified as a Variant of Uncertain Significance.

NM_005157.6(ABL1):c.2818G>T (p.Ala940Ser)

Gene: ABL1 (ABL proto-oncogene 1, non-receptor tyrosine kinase; plus strand). Cytogenetic location: 9q34.12.
Variant type: single nucleotide variant.
Coding change: c.2818G>T on transcript NM_005157.6 (MANE Select); coding-DNA position 2818, G replaced by T.
Protein change: p.Ala940Ser; replaces alanine 940 with serine.
Molecular consequence: missense variant.
Genome position (GRCh38, 1-based): chr9:130,885,108, G>T. VCF-style: chr9-130885108-G-T. GRCh37 (hg19) VCF-style: chr9-133760495-G-T.
Other names: c.2875G>T, p.Ala959Ser (NM_007313.3); short protein forms A940S, A959S.
Identifiers: ClinVar variation 2841856 (VCV002841856.3), dbSNP rs1831548076, ClinGen allele CA375260014.